The following is an entry in ClinVar:

ClinVar aggregate classification (germline): Pathogenic (1 of 4 stars; one submission).

Conditions:
Hereditary nonpolyposis colorectal neoplasms. Identifiers: MedGen C0009405, MeSH D003123.

Submission:

Labcorp Genetics (formerly Invitae), Labcorp
Classification: Pathogenic for Hereditary nonpolyposis colorectal neoplasms. Last evaluated: 2024-10-15. Review status: criteria provided, single submitter. Criteria: Invitae Variant Classification Sherloc (09022015). Collection method: clinical testing. Allele origin: germline.
Comment: This sequence change creates a premature translational stop signal (p.Glu992Argfs*13) in the MSH6 gene. It is expected to result in an absent or disrupted protein product. Loss-of-function variants in MSH6 are known to be pathogenic (PMID: 18269114, 24362816). This variant is not present in population databases (gnomAD no frequency). This variant has not been reported in the literature in individuals affected with MSH6-related conditions. For these reasons, this variant has been classified as Pathogenic.

Literature cited by the submitters: PubMed 18269114; PubMed 24362816.

NM_000179.3(MSH6):c.2973dup (p.Glu992fs)

Gene: MSH6 (mutS homolog 6; plus strand). Cytogenetic location: 2p16.3.
Variant type: Duplication.
Coding change: c.2973dup on transcript NM_000179.3 (MANE Select); coding-DNA position 2973, one base duplicated (A; older notation c.2973dupA).
Protein change: p.Glu992fs; shifts the reading frame from glutamic acid 992.
Molecular consequence: frameshift variant. On other transcripts: non-coding transcript variant (5), intron variant (2).
Genome position (GRCh38, 1-based): chr2:47,800,956, A duplicated. VCF-style (leftmost placement, unchanged base first): chr2-47800955-C-CA. GRCh37 (hg19) VCF-style: chr2-48028094-C-CA.
Other names: c.2805dup, p.Glu936fs (NM_001406826.1); c.2676dup, p.Glu893fs (NM_001406827.1, NM_001406828.1, NM_001406830.1 and 10 more transcripts); c.2067dup, p.Glu690fs (NM_001406829.1, NM_001281493.2, NM_001281494.2 and 6 more transcripts); c.918dup, p.Glu307fs (NM_001407362.1); c.2308+665dup (NM_001406803.1); c.1606+1367dup (NM_001406817.1); c.2583dup, p.Glu862fs (NM_001281492.2); c.2448dup, p.Glu817fs (NM_001406806.1, NM_001406807.1, NM_001406799.1); and 4 more; short protein forms E307fs, E893fs, E690fs, E992fs, E817fs, E966fs, E1024fs, E862fs.
Identifiers: ClinVar variation 3722914 (VCV003722914.2).